The following is an entry in ClinVar:

ClinVar aggregate classification (germline): Benign (1 of 4 stars; one submission).

Conditions:
Gastrointestinal stromal tumor. Also called: Gastrointestinal stromal tumor, somatic; Gastrointestinal stroma tumor. Identifiers: Orphanet 44890, MedGen C0238198, MeSH D046152, MONDO:0011719, OMIM 606764, HP:0100723.

Submission:

Myriad Genetics, Inc.
Classification: Benign for Gastrointestinal stromal tumor. Last evaluated: 2026-06-04. Review status: criteria provided, single submitter. Criteria: Myriad Autosomal Dominant, Autosomal Recessive and X-Linked Classification Criteria (2023). Collection method: clinical testing. Allele origin: unknown.
Comment: This variant is considered benign. This variant is a silent/synonymous amino acid change and it is not expected to impact splicing.

NM_000222.3(KIT):c.2424T>C (p.Ile808=)

Gene: KIT (KIT proto-oncogene, receptor tyrosine kinase; plus strand). Cytogenetic location: 4q12.
Variant type: single nucleotide variant.
Coding change: c.2424T>C on transcript NM_000222.3 (MANE Select); coding-DNA position 2424, T replaced by C.
Protein change: p.Ile808=; no amino-acid change (isoleucine 808 retained).
Molecular consequence: synonymous variant.
Genome position (GRCh38, 1-based): chr4:54,733,132, T>C. VCF-style: chr4-54733132-T-C. GRCh37 (hg19) VCF-style: chr4-55599298-T-C.
Other names: c.2412T>C, p.Ile804= (NM_001093772.2, NM_001385292.1); c.2427T>C, p.Ile809= (NM_001385284.1); c.2421T>C, p.Ile807= (NM_001385285.1); c.2409T>C, p.Ile803= (NM_001385286.1); c.2415T>C, p.Ile805= (NM_001385288.1); c.2424T>C, p.Ile808= (NM_001385290.1).
Identifiers: ClinVar variation 4875910 (VCV004875910.1).